The following is an entry in ClinVar:

ClinVar aggregate classification (germline): Uncertain significance. Review status: criteria provided, multiple submitters, no conflicts (2 of 4 stars). 4 submissions from 4 submitters: Uncertain significance (3). 1 of the submissions does not count toward it. Last evaluated 2026-02-02.

Conditions:
Cryopyrin associated periodic syndrome (CAPS). Identifiers: Orphanet 208650, MedGen C2316212, MONDO:0016168.
Chronic infantile neurological, cutaneous and articular syndrome (CINCA). Also called: CHRONIC NEUROLOGIC CUTANEOUS AND ARTICULAR SYNDROME; CINCA syndrome; Prieur Griscelli syndrome; CRYOPYRIN-ASSOCIATED PERIODIC SYNDROME 3. Identifiers: Orphanet 1451, MedGen C0409818, MONDO:0011776, OMIM 607115.
Familial amyloid nephropathy with urticaria AND deafness (MWS). Also called: UDA SYNDROME; URTICARIA-DEAFNESS-AMYLOIDOSIS SYNDROME; MUCKLE-WELLS SYNDROME; Urticaria, deafness and amyloidosis; CRYOPYRIN-ASSOCIATED PERIODIC SYNDROME 2. Identifiers: Orphanet 575, MedGen C0268390, MONDO:0008633, OMIM 191900.
Hearing loss, autosomal dominant 34, with or without inflammation. Also called: DEAFNESS, AUTOSOMAL DOMINANT 34, WITH OR WITHOUT INFLAMMATION. Identifiers: MedGen C4521680, MONDO:0033261, OMIM 617772.
Familial cold autoinflammatory syndrome 1 (FCAS1). Also called: CRYOPYRIN-ASSOCIATED PERIODIC SYNDROME 1; Familial cold inflammatory syndrome 1. Identifiers: Orphanet 47045, MedGen C4551895, MONDO:0007349, OMIM 120100.
Keratitis fugax hereditaria. Also called: KERATOENDOTHELIITIS FUGAX HEREDITARIA. Identifiers: Orphanet 647815, MedGen C1835697, MONDO:0007849, OMIM 148200.

Allele frequency attached by ClinVar (database versions not stated): ExAC 0.00002; gnomAD exomes 0.00002.

Submissions (4):

Labcorp Genetics (formerly Invitae), Labcorp
Classification: Uncertain significance for Cryopyrin associated periodic syndrome. Last evaluated: 2026-02-02. Review status: criteria provided, single submitter. Criteria: Invitae Variant Classification Sherloc (09022015). Collection method: clinical testing. Allele origin: germline.
Comment: This sequence change replaces arginine, which is basic and polar, with glutamine, which is neutral and polar, at codon 170 of the NLRP3 protein (p.Arg170Gln). This variant is present in population databases (rs180177464, gnomAD 0.007%). This missense change has been observed in individual(s) with cryopyrin-associated periodic syndrome (PMID: 21109514). This variant is also known as p.Arg168Gln. ClinVar contains an entry for this variant (Variation ID: 97963). Invitae Evidence Modeling of protein sequence and biophysical properties (such as structural, functional, and spatial information, amino acid conservation, physicochemical variation, residue mobility, and thermodynamic stability) indicates that this missense variant is not expected to disrupt NLRP3 protein function with a negative predictive value of 95%. In summary, the available evidence is currently insufficient to determine the role of this variant in disease. Therefore, it has been classified as a Variant of Uncertain Significance.

Fulgent Genetics
Classification: Uncertain significance for Familial cold autoinflammatory syndrome 1; Keratitis fugax hereditaria; Familial amyloid nephropathy with urticaria AND deafness; Chronic infantile neurological, cutaneous and articular syndrome; Hearing loss, autosomal dominant 34, with or without inflammation. Last evaluated: 2024-04-04. Review status: criteria provided, single submitter. Criteria: ACMG Guidelines, 2015. Collection method: clinical testing. Allele origin: germline.

GeneDx
Classification: Uncertain significance. Last evaluated: 2023-05-15. Review status: criteria provided, single submitter. Criteria: GeneDx Variant Classification Process June 2021. Collection method: clinical testing. Allele origin: germline. Affected: yes.
Comment: Observed in an additional patient reported to have a cryopyrin-associated periodic syndrome in published literature (Cuisset et al., 2011); however, information on individual patient phenotype was limited; In silico analysis supports that this missense variant does not alter protein structure/function; Also known as p.(R168Q); This variant is associated with the following publications: (PMID: 19302049, 21109514, 27535533, 30418111, 24708999)

Unité médicale des maladies autoinflammatoires, CHRU Montpellier
No classification provided. Condition: Familial cold urticaria. Review status: no classification provided. Collection method: not provided. Allele origin: unknown. Not counted in ClinVar's aggregate classification.
Comment: also involved in OMIM 191900 and 607115

Literature cited by the submitters: PubMed 21109514 (cited by Labcorp Genetics (formerly Invitae), Labcorp).

NM_001243133.2(NLRP3):c.503G>A (p.Arg168Gln)

Gene: NLRP3 (NLR family pyrin domain containing 3; plus strand). Cytogenetic location: 1q44.
Variant type: single nucleotide variant.
Coding change: c.503G>A on transcript NM_001243133.2 (MANE Select); coding-DNA position 503, G replaced by A.
Protein change: p.Arg168Gln; replaces arginine 168 with glutamine.
Molecular consequence: missense variant.
Genome position (GRCh38, 1-based): chr1:247,423,952, G>A. VCF-style: chr1-247423952-G-A. GRCh37 (hg19) VCF-style: chr1-247587254-G-A.
Other names: c.503G>A, p.Arg168Gln (NM_001079821.3, NM_001127461.3, NM_001127462.3 and 1 more transcripts); c.509G>A, p.Arg170Gln (NM_004895.5); c.509G>A (NM_004895.4); short protein forms R170Q, R168Q.
Identifiers: ClinVar variation 97963 (VCV000097963.8), dbSNP rs180177464, ClinGen allele CA281327.